The following is an entry in ClinVar:

NM_003737.4(DCHS1):c.5141A>G (p.Gln1714Arg)

Gene: DCHS1 (dachsous cadherin-related 1; minus strand). Cytogenetic location: 11p15.4.
Variant type: single nucleotide variant.
Coding change: c.5141A>G on transcript NM_003737.4 (MANE Select); coding-DNA position 5141, A replaced by G.
Protein change: p.Gln1714Arg; replaces glutamine 1714 with arginine.
Molecular consequence: missense variant.
Genome position (GRCh38, 1-based): chr11:6,629,472, T>C on the plus strand (A>G on the coding strand, the complement: DCHS1 is on the minus strand). VCF-style: chr11-6629472-T-C. GRCh37 (hg19) VCF-style: chr11-6650703-T-C.
Other names: short protein forms Q1714R.
Identifiers: ClinVar variation 4750241 (VCV004750241.1).

ClinVar aggregate classification (germline): Uncertain significance (1 of 4 stars; one submission).

gnomAD v4.1: 2 of 1,613,118 alleles (0.00012%); highest among the groups gnomAD compares: Admixed American, 0.0033%; no homozygotes.

Submission:

Labcorp Genetics (formerly Invitae), Labcorp
Classification: Uncertain significance. Last evaluated: 2025-06-12. Review status: criteria provided, single submitter. Criteria: Invitae Variant Classification Sherloc (09022015). Collection method: clinical testing. Allele origin: germline.
Comment: This sequence change replaces glutamine, which is neutral and polar, with arginine, which is basic and polar, at codon 1714 of the DCHS1 protein (p.Gln1714Arg). The frequency data for this variant in the population databases is considered unreliable, as metrics indicate poor data quality at this position in the gnomAD database. This variant has not been reported in the literature in individuals affected with DCHS1-related conditions. Invitae Evidence Modeling of protein sequence and biophysical properties (such as structural, functional, and spatial information, amino acid conservation, physicochemical variation, residue mobility, and thermodynamic stability) has been performed for this missense variant. However, the output from this modeling did not meet the statistical confidence thresholds required to predict the impact of this variant on DCHS1 protein function. In summary, the available evidence is currently insufficient to determine the role of this variant in disease. Therefore, it has been classified as a Variant of Uncertain Significance.